The following is an entry in ClinVar:

NM_001128840.3(CACNA1D):c.2448C>A (p.Asp816Glu)

Gene: CACNA1D (calcium voltage-gated channel subunit alpha1 D; plus strand). Cytogenetic location: 3p21.1.
Variant type: single nucleotide variant.
Coding change: c.2448C>A on transcript NM_001128840.3 (MANE Select); coding-DNA position 2448, C replaced by A.
Protein change: p.Asp816Glu; replaces aspartic acid 816 with glutamic acid.
Molecular consequence: missense variant.
Genome position (GRCh38, 1-based): chr3:53,732,057, C>A. VCF-style: chr3-53732057-C-A. GRCh37 (hg19) VCF-style: chr3-53766084-C-A.
Other names: c.2508C>A, p.Asp836Glu (NM_000720.4); c.2448C>A, p.Asp816Glu (NM_001128839.3); short protein forms D816E, D836E.
Identifiers: ClinVar variation 4537336 (VCV004537336.1).
Genomic context (GRCh38, chr3:53,732,057, plus strand): 5'-GATGTCTTTGTCATCCTAGGTTACAATTGATGACTATAGAGAAGAGGATGAAGACAAGGA[C>A]CCCTATCCGCCTTGCGATGTGCCAGGTATGGTGGCGGAGGCCGGAGACGCTGGCTTTGCT-3'
Protein context (NP_001122312.1, residues 806-826): DDYREEDEDK[Asp816Glu]PYPPCDVPVG

ClinVar aggregate classification (germline): Uncertain significance (1 of 4 stars; one submission).

Submission:

Women's Health and Genetics/Laboratory Corporation of America, LabCorp
Classification: Uncertain significance. Last evaluated: 2025-11-28. Review status: criteria provided, single submitter. Criteria: LabCorp Variant Classification Summary - May 2015. Collection method: clinical testing. Allele origin: germline.
Comment: Variant summary: CACNA1D c.2508C>A (p.Asp836Glu) results in a conservative amino acid change in the encoded protein sequence. Algorithms developed to predict the effect of missense changes on protein structure and function all suggest that this variant is likely to be tolerated. The variant was absent in 251468 control chromosomes. The available data on variant occurrences in the general population are insufficient to allow any conclusion about variant significance. To our knowledge, no occurrence of c.2508C>A in individuals affected with CACNA1D-related conditions and no experimental evidence demonstrating its impact on protein function have been reported. No submitters have cited clinical-significance assessments for this variant to ClinVar. Based on the evidence outlined above, the variant was classified as uncertain significance.